The following is an entry in ClinVar:

NM_032043.3(BRIP1):c.3742T>C (p.Phe1248Leu)

Gene: BRIP1 (BRCA1 interacting DNA helicase 1; minus strand). Cytogenetic location: 17q23.2.
Variant type: single nucleotide variant.
Coding change: c.3742T>C on transcript NM_032043.3 (MANE Select); coding-DNA position 3742, T replaced by C.
Protein change: p.Phe1248Leu; replaces phenylalanine 1248 with leucine.
Molecular consequence: missense variant.
Genome position (GRCh38, 1-based): chr17:61,683,304, A>G on the plus strand (T>C on the coding strand, the complement: BRIP1 is on the minus strand). VCF-style: chr17-61683304-A-G. GRCh37 (hg19) VCF-style: chr17-59760665-A-G.
Other names: short protein forms F1248L.
Identifiers: ClinVar variation 560879 (VCV000560879.12), dbSNP rs1567727102, ClinGen allele CA400477705.

ClinVar aggregate classification (germline): Uncertain significance. Review status: criteria provided, multiple submitters, no conflicts (2 of 4 stars). 2 submissions from 2 submitters: Uncertain significance (2). Last evaluated 2019-09-14.

Conditions:
Fanconi anemia complementation group J. Also called: BRIP1-Related Fanconi Anemia. Identifiers: Orphanet 84, MedGen C1836860, MONDO:0012187, OMIM 609054.
Familial cancer of breast. Also called: Hereditary breast cancer; BREAST CANCER, FAMILIAL; hereditary breast carcinoma. Identifiers: Orphanet 227535, MedGen C0346153, MONDO:0016419, OMIM 114480. Disease mechanism: loss of function.

Submissions (2):

Labcorp Genetics (formerly Invitae), Labcorp
Classification: Uncertain significance for Familial cancer of breast; Fanconi anemia complementation group J. Last evaluated: 2019-09-14. Review status: criteria provided, single submitter. Criteria: Invitae Variant Classification Sherloc (09022015). Collection method: clinical testing. Allele origin: germline.
Comment: In summary, the available evidence is currently insufficient to determine the role of this variant in disease. Therefore, it has been classified as a Variant of Uncertain Significance. Algorithms developed to predict the effect of missense changes on protein structure and function (SIFT, PolyPhen-2, Align-GVGD) all suggest that this variant is likely to be tolerated, but these predictions have not been confirmed by published functional studies and their clinical significance is uncertain. This variant has not been reported in the literature in individuals with BRIP1-related conditions. ClinVar contains an entry for this variant (Variation ID: 560879). This variant is not present in population databases (ExAC no frequency). This sequence change replaces phenylalanine with leucine at codon 1248 of the BRIP1 protein (p.Phe1248Leu). The phenylalanine residue is weakly conserved and there is a small physicochemical difference between phenylalanine and leucine.

PreventionGenetics, part of Exact Sciences
Classification: Uncertain significance. Last evaluated: 2017-10-13. Review status: criteria provided, single submitter. Criteria: ACMG Guidelines, 2015. Collection method: clinical testing. Allele origin: germline.